The following is an entry in ClinVar:

ClinVar aggregate classification (germline): Uncertain significance (1 of 4 stars; one submission).

gnomAD v4.1: 1 of 1,613,820 alleles (0.000062%); highest among the groups gnomAD compares: Non-Finnish European, 0.000085%; no homozygotes.

Submission:

GeneDx
Classification: Uncertain significance. Last evaluated: 2024-02-23. Review status: criteria provided, single submitter. Criteria: GeneDx Variant Classification Process June 2021. Collection method: clinical testing. Allele origin: germline. Affected: yes.
Comment: Not observed at significant frequency in large population cohorts (gnomAD); Missense variant in a gene in which most reported pathogenic variants are truncating/loss of function; Has not been previously published as pathogenic or benign to our knowledge

NM_001267550.2(TTN):c.4624T>G (p.Ser1542Ala)

Genes: TTN (titin; minus strand), LOC101927055 (uncharacterized LOC101927055; plus strand). Cytogenetic location: 2q31.2.
Variant type: single nucleotide variant.
Coding change: c.4624T>G on transcript NM_001267550.2 (MANE Select); coding-DNA position 4624, T replaced by G.
Protein change: p.Ser1542Ala; replaces serine 1542 with alanine.
Molecular consequence: missense variant. On other transcripts: non-coding transcript variant (1).
Genome position (GRCh38, 1-based): chr2:178,777,441, A>C on the plus strand (T>G on the coding strand, the complement: TTN is on the minus strand). VCF-style: chr2-178777441-A-C. GRCh37 (hg19) VCF-style: chr2-179642168-A-C.
Other names: c.4624T>G, p.Ser1542Ala (NM_001256850.1, NM_133378.4, NM_133379.5); c.4486T>G, p.Ser1496Ala (NM_003319.4, NM_133432.3, NM_133437.4); short protein forms S1496A, S1542A.
Identifiers: ClinVar variation 3369688 (VCV003369688.1).
Genomic context (GRCh38, chr2:178,777,441, plus strand): 5'-ATAAGAAAATTCATTTATTTTTATTTTATCTCATTTTACCTTCCACAGTTAAAATCACTG[A>C]AATTGAAGATCTGCCTGCCCTGTTTTGGGCAACCACAGTCCATTCCCCAGAATCACTGGG-3'
Protein context (NP_001254479.2, residues 1532-1552): AQNRAGRSSI[Ser1542Ala]VILTVEAVEH